The following is an entry in ClinVar:

NM_001267550.2(TTN):c.6508+1G>T

Gene: TTN (titin; minus strand). Cytogenetic location: 2q31.2.
Variant type: single nucleotide variant.
Coding change: c.6508+1G>T on transcript NM_001267550.2 (MANE Select); the canonical splice donor site of the intron after coding-DNA position 6508, G replaced by T.
Molecular consequence: splice donor variant.
Genome position (GRCh38, 1-based): chr2:178,775,355, C>A on the plus strand (G>T on the coding strand, the complement: TTN is on the minus strand). VCF-style: chr2-178775355-C-A. GRCh37 (hg19) VCF-style: chr2-179640082-C-A.
Other names: c.6370+1G>T (NM_003319.4, NM_133437.4, NM_133432.3); c.6508+1G>T (NM_133378.4, NM_001256850.1, NM_133379.5).
Identifiers: ClinVar variation 498207 (VCV000498207.17), dbSNP rs1373416532, ClinGen allele CA349682676.
Genomic context (GRCh38, chr2:178,775,355, plus strand): 5'-ACACTCATGGATATTCTTGAATACAAAGACAGGTCCATCAAAGGAAAGACATGCAAATTA[C>A]CTTGGACAAGTAAGAATGCGTGACTGGAGGTTTCTCCAGCTATGTTGATGGCTTTTACCA-3'

ClinVar aggregate classification (germline): Conflicting classifications of pathogenicity. Review status: criteria provided, conflicting classifications (1 of 4 stars). 3 submissions from 3 submitters: Likely pathogenic (2); Uncertain significance (1). Last evaluated 2025-08-13.

Conditions:
Cardiovascular phenotype. Identifiers: MedGen CN230736.
Dilated cardiomyopathy 1G (CMD1G). Identifiers: Orphanet 154, MedGen C1858763, MONDO:0011400, OMIM 604145.
Autosomal recessive limb-girdle muscular dystrophy type 2J (LGMDR10). Also called: MUSCULAR DYSTROPHY, LIMB-GIRDLE, AUTOSOMAL RECESSIVE 10; Limb-girdle muscular dystrophy, type 2J. Identifiers: Orphanet 140922, MedGen C1837342, MONDO:0012127, OMIM 608807.

Allele frequency attached by ClinVar (database versions not stated): gnomAD exomes below 0.00001; TOPMed below 0.00001; gnomAD 0.00001.
gnomAD v4.1: 2 of 1,613,786 alleles (0.00012%); highest among the groups gnomAD compares: Non-Finnish European, 0.00017%; no homozygotes.

Submissions (3):

Ambry Genetics
Classification: Likely pathogenic for Cardiovascular phenotype. Last evaluated: 2025-08-13. Review status: criteria provided, single submitter. Criteria: Ambry Variant Classification Scheme 2023. Collection method: clinical testing. Allele origin: germline.
Comment: The c.6370+1G>T intronic alteration consists of a G to T substitution one nucleotide after coding exon 26 of the TTN gene. This variant disrupts the canonical splice site and is expected to cause aberrant splicing, resulting in an abnormal protein or a transcript that is subject to nonsense-mediated mRNA decay. This variant was not reported in population-based cohorts in the Genome Aggregation Database (gnomAD). This nucleotide position is highly conserved in available vertebrate species. This exon is located in the near Z-disk/I-band region of the N2-B isoform of the titin protein and is constitutively expressed in TTN transcripts (percent spliced in or PSI 100%). While loss of function variants in TTN are present in 1-3% of the general population, truncating variants (a category that includes canonical splice site variants) in the A-band are the most common cause of dilated cardiomyopathy (DCM) (Herman, 2012; Roberts, 2015). TTN truncating variants encoded in constitutive exons (PSI >90%) have been found to be significantly associated with DCM regardless of their position in titin (Schafer, 2017; Akhtar, 2020; Massier, 2025). In silico splice site analysis predicts that this alteration will weaken the native splice donor site. Based on the available evidence, this alteration is classified as likely pathogenic.

Labcorp Genetics (formerly Invitae), Labcorp
Classification: Likely pathogenic for Dilated cardiomyopathy 1G; Autosomal recessive limb-girdle muscular dystrophy type 2J. Last evaluated: 2025-07-09. Review status: criteria provided, single submitter. Criteria: Invitae Variant Classification Sherloc (09022015). Collection method: clinical testing. Allele origin: germline.
Comment: This sequence change affects a donor splice site in intron 28 of the TTN gene. It is expected to disrupt RNA splicing and likely results in a truncated or disrupted TTN protein. This variant is not present in population databases (gnomAD no frequency). This variant has not been observed in the literature in individuals with autosomal recessive TTN-related conditions. This variant has been reported in individual(s) with autosomal dominant dilated cardiomyopathy (internal data); however, the role of the variant in this condition is currently unclear. ClinVar contains an entry for this variant (Variation ID: 498207). Algorithms developed to predict the effect of sequence changes on RNA splicing suggest that this variant may disrupt the consensus splice site. This variant is located in the Z band of TTN (PMID: 25589632). Truncating variants in this region have been reported in individuals affected with autosomal recessive centronuclear myopathy (PMID: 33449170, internal data). Truncating variants in this region have also been identified in individuals affected with autosomal dominant dilated cardiomyopathy and/or cardio-related conditions (PMID: 27869827, 32964742, internal data). In summary, the currently available evidence indicates that the variant is pathogenic, but additional data are needed to prove that conclusively. Therefore, this variant has been classified as Likely Pathogenic.

Eurofins Ntd Llc (ga)
Classification: Uncertain significance. Last evaluated: 2016-10-26. Review status: criteria provided, single submitter. Criteria: EGL Classification Definitions 2015. Collection method: clinical testing. Allele origin: germline. Observed: 1 variant allele, 1 heterozygote.

Literature cited by the submitters: PubMed 22335739 (cited by Ambry Genetics); PubMed 25589632 (cited by Ambry Genetics and Labcorp Genetics (formerly Invitae), Labcorp); PubMed 27869827 (cited by Ambry Genetics and Labcorp Genetics (formerly Invitae), Labcorp); PubMed 32964742 (cited by Ambry Genetics and Labcorp Genetics (formerly Invitae), Labcorp); PubMed 39844436 (cited by Ambry Genetics); PubMed 33449170 (cited by Labcorp Genetics (formerly Invitae), Labcorp).